The following is an entry in ClinVar:

NM_014484.5(MOCS3):c.1006G>A (p.Val336Ile)

Gene: MOCS3 (molybdenum cofactor synthesis 3; plus strand). Cytogenetic location: 20q13.13.
Variant type: single nucleotide variant.
Coding change: c.1006G>A on transcript NM_014484.5 (MANE Select); coding-DNA position 1006, G replaced by A.
Protein change: p.Val336Ile; replaces valine 336 with isoleucine.
Molecular consequence: missense variant.
Genome position (GRCh38, 1-based): chr20:50,959,848, G>A. VCF-style: chr20-50959848-G-A. GRCh37 (hg19) VCF-style: chr20-49576385-G-A.
Other names: short protein forms V336I.
Identifiers: ClinVar variation 2105416 (VCV002105416.4), dbSNP rs1347221670, ClinGen allele CA408985457.

ClinVar aggregate classification (germline): Uncertain significance (1 of 4 stars; one submission).

Allele frequency attached by ClinVar (database versions not stated): gnomAD exomes below 0.00001.

Submission:

Labcorp Genetics (formerly Invitae), Labcorp
Classification: Uncertain significance. Last evaluated: 2022-03-01. Review status: criteria provided, single submitter. Criteria: Invitae Variant Classification Sherloc (09022015). Collection method: clinical testing. Allele origin: germline.
Comment: In summary, the available evidence is currently insufficient to determine the role of this variant in disease. Therefore, it has been classified as a Variant of Uncertain Significance. Algorithms developed to predict the effect of missense changes on protein structure and function output the following: SIFT: "Tolerated"; PolyPhen-2: "Benign"; Align-GVGD: "Class C0". The isoleucine amino acid residue is found in multiple mammalian species, which suggests that this missense change does not adversely affect protein function. This variant has not been reported in the literature in individuals affected with MOCS3-related conditions. This variant is present in population databases (no rsID available, gnomAD 0.003%). This sequence change replaces valine, which is neutral and non-polar, with isoleucine, which is neutral and non-polar, at codon 336 of the MOCS3 protein (p.Val336Ile).